The following is an entry in ClinVar:

NM_002485.5(NBN):c.1396A>T (p.Arg466Trp)

Gene: NBN (nibrin; minus strand). Cytogenetic location: 8q21.3.
Variant type: single nucleotide variant.
Coding change: c.1396A>T on transcript NM_002485.5 (MANE Select); coding-DNA position 1396, A replaced by T.
Protein change: p.Arg466Trp; replaces arginine 466 with tryptophan.
Molecular consequence: missense variant.
Genome position (GRCh38, 1-based): chr8:89,955,284, T>A on the plus strand (A>T on the coding strand, the complement: NBN is on the minus strand). VCF-style: chr8-89955284-T-A. GRCh37 (hg19) VCF-style: chr8-90967512-T-A.
Other names: c.1150A>T, p.Arg384Trp (NM_001024688.3); c.1396A>T (NM_002485.4); short protein forms R384W, R466W.
Identifiers: ClinVar variation 2740499 (VCV002740499.5), dbSNP rs1810646211, ClinGen allele CA371655949.

ClinVar aggregate classification (germline): Uncertain significance. Review status: criteria provided, multiple submitters, no conflicts (2 of 4 stars). 3 submissions from 3 submitters: Uncertain significance (3). Last evaluated 2026-04-07.

Conditions:
Hereditary cancer-predisposing syndrome. Also called: Neoplastic Syndromes, Hereditary; Tumor predisposition; Hereditary Cancer Syndrome; Hereditary neoplastic syndrome. Identifiers: Orphanet 140162, MedGen C0027672, MeSH D009386, MONDO:0015356.
Microcephaly, normal intelligence and immunodeficiency (NBS). Also called: Immunodeficiency, microcephaly with normal intelligence; IMMUNODEFICIENCY, MICROCEPHALY, AND CHROMOSOMAL INSTABILITY; SEEMANOVA SYNDROME II; Nijmegen breakage syndrome; Microcephaly with normal intelligence immunodeficiency and lymphoreticular malignancies; Nonsyndromal microcephaly autosomal recessive with normal intelligence. Identifiers: Orphanet 647, MedGen C0398791, MONDO:0009623, OMIM 251260.

Submissions (3):

Women's Health and Genetics/Laboratory Corporation of America, LabCorp
Classification: Uncertain significance. Last evaluated: 2026-04-07. Review status: criteria provided, single submitter. Criteria: LabCorp Variant Classification Summary - May 2015. Collection method: clinical testing. Allele origin: germline.
Comment: Variant summary: NBN c.1396A>T (p.Arg466Trp) results in a non-conservative amino acid change in the encoded protein sequence. Algorithms developed to predict the effect of missense changes on protein structure and function are either unavailable or do not agree on the potential impact of this missense change. Several computational tools predict a significant impact on normal splicing: Two predict the variant abolishes a 5' splicing donor site. Two predict the variant weakens a 5' donor site. However, these predictions have yet to be confirmed by functional studies. The variant was absent in 250944 control chromosomes (gnomAD). The available data on variant occurrences in the general population are insufficient to allow any conclusion about variant significance. To our knowledge, no occurrence of c.1396A>T in individuals affected with NBN-related conditions and no experimental evidence demonstrating its impact on protein function have been reported. ClinVar contains an entry for this variant (Variation ID: 2740499). Based on the evidence outlined above, the variant was classified as uncertain significance.

Ambry Genetics
Classification: Uncertain significance for Hereditary cancer-predisposing syndrome. Last evaluated: 2026-03-11. Review status: criteria provided, single submitter. Criteria: Ambry Variant Classification Scheme 2023. Collection method: clinical testing. Allele origin: germline.
Comment: The p.R466W variant (also known as c.1396A>T), located in coding exon 10 of the NBN gene, results from an A to T substitution at nucleotide position 1396. The arginine at codon 466 is replaced by tryptophan, an amino acid with dissimilar properties. This amino acid position is conserved. In addition, the in silico prediction for this alteration is inconclusive. Based on the available evidence, the clinical significance of this variant remains unclear.

Labcorp Genetics (formerly Invitae), Labcorp
Classification: Uncertain significance for Microcephaly, normal intelligence and immunodeficiency. Last evaluated: 2022-03-25. Review status: criteria provided, single submitter. Criteria: Invitae Variant Classification Sherloc (09022015). Collection method: clinical testing. Allele origin: germline.
Comment: Algorithms developed to predict the effect of sequence changes on RNA splicing suggest that this variant may create or strengthen a splice site. Algorithms developed to predict the effect of missense changes on protein structure and function are either unavailable or do not agree on the potential impact of this missense change (SIFT: "Deleterious"; PolyPhen-2: "Probably Damaging"; Align-GVGD: "Class C15"). This variant has not been reported in the literature in individuals affected with NBN-related conditions. This variant is not present in population databases (gnomAD no frequency). This sequence change replaces arginine, which is basic and polar, with tryptophan, which is neutral and slightly polar, at codon 466 of the NBN protein (p.Arg466Trp). In summary, the available evidence is currently insufficient to determine the role of this variant in disease. Therefore, it has been classified as a Variant of Uncertain Significance.